The following is an entry in ClinVar:

NM_025099.6(CTC1):c.170A>G (p.Gln57Arg)

Gene: CTC1 (CST telomere replication complex component 1; minus strand). Cytogenetic location: 17p13.1.
Variant type: single nucleotide variant.
Coding change: c.170A>G on transcript NM_025099.6 (MANE Select); coding-DNA position 170, A replaced by G.
Protein change: p.Gln57Arg; replaces glutamine 57 with arginine.
Molecular consequence: missense variant. On other transcripts: non-coding transcript variant (1).
Genome position (GRCh38, 1-based): chr17:8,243,012, T>C on the plus strand (A>G on the coding strand, the complement: CTC1 is on the minus strand). VCF-style: chr17-8243012-T-C. GRCh37 (hg19) VCF-style: chr17-8146330-T-C.
Other names: short protein forms Q57R.
Identifiers: ClinVar variation 665218 (VCV000665218.8), dbSNP rs371868360, ClinGen allele CA8372700.

ClinVar aggregate classification (germline): Uncertain significance. Review status: criteria provided, multiple submitters, no conflicts (2 of 4 stars). 2 submissions from 2 submitters: Uncertain significance (2). Last evaluated 2023-12-25.

Conditions:
Dyskeratosis congenita. Identifiers: Orphanet 1775, MedGen C0265965, MONDO:0015780.

Allele frequency attached by ClinVar (database versions not stated): ExAC 0.00002; TOPMed 0.00002; ESP Exome Variant Server 0.00008; gnomAD exomes below 0.00001.
gnomAD v4.1: 2 of 1,613,198 alleles (0.00012%); highest among the groups gnomAD compares: Non-Finnish European, 0.00017%; no homozygotes.

Submissions (2):

Labcorp Genetics (formerly Invitae), Labcorp
Classification: Uncertain significance for Dyskeratosis congenita. Last evaluated: 2023-12-25. Review status: criteria provided, single submitter. Criteria: Invitae Variant Classification Sherloc (09022015). Collection method: clinical testing. Allele origin: germline.
Comment: This sequence change replaces glutamine, which is neutral and polar, with arginine, which is basic and polar, at codon 57 of the CTC1 protein (p.Gln57Arg). This variant is present in population databases (rs371868360, gnomAD 0.007%). This variant has not been reported in the literature in individuals affected with CTC1-related conditions. ClinVar contains an entry for this variant (Variation ID: 665218). Algorithms developed to predict the effect of missense changes on protein structure and function output the following: SIFT: "Not Available"; PolyPhen-2: "Possibly Damaging"; Align-GVGD: "Not Available". The arginine amino acid residue is found in multiple mammalian species, which suggests that this missense change does not adversely affect protein function. In summary, the available evidence is currently insufficient to determine the role of this variant in disease. Therefore, it has been classified as a Variant of Uncertain Significance.

Blueprint Genetics
Classification: Uncertain significance. Last evaluated: 2023-03-29. Review status: criteria provided, single submitter. Criteria: ACMG Guidelines, 2015. Collection method: clinical testing. Allele origin: germline.